The following is an entry in ClinVar:

ClinVar aggregate classification (germline): Uncertain significance. Review status: criteria provided, multiple submitters, no conflicts (2 of 4 stars). 3 submissions from 3 submitters: Uncertain significance (3). Last evaluated 2026-03-01.

Conditions:
COL18A1-related disorder. Also called: COL18A1-related condition; COL18A1-related disorders.

Allele frequency attached by ClinVar (database versions not stated): gnomAD 0.00004 and 0.00007; TOPMed 0.00006; ESP Exome Variant Server 0.00008.
gnomAD v4.1: 207 of 1,613,876 alleles (0.013%); highest among the groups gnomAD compares: Middle Eastern, 0.016%; no homozygotes.

Submissions (3):

PreventionGenetics, part of Exact Sciences
Classification: Uncertain significance for COL18A1-related condition. Last evaluated: 2026-03-01. Review status: criteria provided, single submitter. Criteria: ACMG Guidelines, 2015. Collection method: clinical testing. Allele origin: germline.
Comment: The COL18A1 c.1343C>T variant is predicted to result in the amino acid substitution p.Ala448Val. To our knowledge, this variant has not been reported in the literature. This variant is reported in 0.013% of alleles in individuals of South Asian descent in gnomAD. At this time, the clinical significance of this variant is uncertain due to the absence of conclusive functional and genetic evidence.

Labcorp Genetics (formerly Invitae), Labcorp
Classification: Uncertain significance. Last evaluated: 2022-10-17. Review status: criteria provided, single submitter. Criteria: Invitae Variant Classification Sherloc (09022015). Collection method: clinical testing. Allele origin: germline.
Comment: This sequence change replaces alanine, which is neutral and non-polar, with valine, which is neutral and non-polar, at codon 268 of the COL18A1 protein (p.Ala268Val). This variant is present in population databases (rs375414087, gnomAD 0.01%). This variant has not been reported in the literature in individuals affected with COL18A1-related conditions. ClinVar contains an entry for this variant (Variation ID: 447135). Experimental studies and prediction algorithms are not available or were not evaluated, and the functional significance of this variant is currently unknown. In summary, the available evidence is currently insufficient to determine the role of this variant in disease. Therefore, it has been classified as a Variant of Uncertain Significance.

Athena Diagnostics
Classification: Uncertain significance. Last evaluated: 2017-01-23. Review status: criteria provided, single submitter. Criteria: Athena Diagnostics Criteria. Collection method: clinical testing. Allele origin: germline.

NM_001379500.1(COL18A1):c.803C>T (p.Ala268Val)

Gene: COL18A1 (collagen type XVIII alpha 1 chain; plus strand). Cytogenetic location: 21q22.3.
Variant type: single nucleotide variant.
Coding change: c.803C>T on transcript NM_001379500.1 (MANE Select); coding-DNA position 803, C replaced by T.
Protein change: p.Ala268Val; replaces alanine 268 with valine.
Molecular consequence: missense variant.
Genome position (GRCh38, 1-based): chr21:45,476,355, C>T. VCF-style: chr21-45476355-C-T. GRCh37 (hg19) VCF-style: chr21-46896269-C-T.
Other names: NM_130445.2:c.803C>T; c.1343C>T, p.Ala448Val (NM_030582.4); c.2048C>T, p.Ala683Val (NM_130444.3); c.1343C>T (NM_030582.3); short protein forms A448V, A683V.
Identifiers: ClinVar variation 447135 (VCV000447135.5), dbSNP rs375414087, ClinGen allele CA10065938.